The following is an entry in ClinVar:

NM_006019.4(TCIRG1):c.911T>C (p.Leu304Pro)

Gene: TCIRG1 (T cell immune regulator 1, ATPase H+ transporting V0 subunit a3; plus strand). Cytogenetic location: 11q13.2.
Variant type: single nucleotide variant.
Coding change: c.911T>C on transcript NM_006019.4 (MANE Select); coding-DNA position 911, T replaced by C.
Protein change: p.Leu304Pro; replaces leucine 304 with proline.
Molecular consequence: missense variant.
Genome position (GRCh38, 1-based): chr11:68,044,235, T>C. VCF-style: chr11-68044235-T-C. GRCh37 (hg19) VCF-style: chr11-67811702-T-C.
Other names: c.17T>C, p.Leu6Pro (NM_001351059.2); c.263T>C, p.Leu88Pro (NM_006053.4); short protein forms L6P, L88P, L304P.
Identifiers: ClinVar variation 1480777 (VCV001480777.4), dbSNP rs1449131788, ClinGen allele CA381580450.
Genomic context (GRCh38, chr11:68,044,235, plus strand): 5'-GGGTGCTGCAGCTGCTGCCGCCAGGGCAGGTGCAGGTCCACAAGATGAAGGCCGTGTACC[T>C]GGCCCTGAACCAGTGCAGCGTGAGCACCACGCACAAGTGCCTCATTGCCGAGGCCTGGTG-3'
Protein context (NP_006010.2, residues 294-314): VQVHKMKAVY[Leu304Pro]ALNQCSVSTT

ClinVar aggregate classification (germline): Uncertain significance. Review status: criteria provided, multiple submitters, no conflicts (2 of 4 stars). 2 submissions from 2 submitters: Uncertain significance (2). Last evaluated 2022-07-06.

Conditions:
Autosomal recessive osteopetrosis 1. Also called: TCIRG1-Related Autosomal Recessive Osteopetrosis; ALBERS-SCHONBERG DISEASE, AUTOSOMAL RECESSIVE; TCIRG1-Related Osteopetrosis. Identifiers: Orphanet 667, MedGen C1850127, MONDO:0009815, OMIM 259700.

Allele frequency attached by ClinVar (database versions not stated): gnomAD exomes below 0.00001; gnomAD 0.00001; TOPMed 0.00002.
gnomAD v4.1: 3 of 1,594,496 alleles (0.00019%); highest among the groups gnomAD compares: Admixed American, 0.0018%; no homozygotes.

Submissions (2):

Labcorp Genetics (formerly Invitae), Labcorp
Classification: Uncertain significance. Last evaluated: 2022-07-06. Review status: criteria provided, single submitter. Criteria: Invitae Variant Classification Sherloc (09022015). Collection method: clinical testing. Allele origin: germline.
Comment: This sequence change replaces leucine, which is neutral and non-polar, with proline, which is neutral and non-polar, at codon 304 of the TCIRG1 protein (p.Leu304Pro). This variant is not present in population databases (gnomAD no frequency). This variant has not been reported in the literature in individuals affected with TCIRG1-related conditions. ClinVar contains an entry for this variant (Variation ID: 1480777). Algorithms developed to predict the effect of missense changes on protein structure and function (SIFT, PolyPhen-2, Align-GVGD) all suggest that this variant is likely to be tolerated. In summary, the available evidence is currently insufficient to determine the role of this variant in disease. Therefore, it has been classified as a Variant of Uncertain Significance.

Fulgent Genetics
Classification: Uncertain significance for Autosomal recessive osteopetrosis 1. Last evaluated: 2021-10-22. Review status: criteria provided, single submitter. Criteria: ACMG Guidelines, 2015. Collection method: clinical testing. Allele origin: unknown.